The following is an entry in ClinVar:

ClinVar aggregate classification (germline): Benign/Likely benign. Review status: criteria provided, multiple submitters, no conflicts (2 of 4 stars). 3 submissions from 3 submitters: Benign (1); Likely benign (2). Last evaluated 2025-11-03.

Conditions:
Hereditary cancer-predisposing syndrome. Also called: Hereditary Cancer Syndrome; Neoplastic Syndromes, Hereditary; Hereditary neoplastic syndrome; Tumor predisposition. Identifiers: Orphanet 140162, MedGen C0027672, MeSH D009386, MONDO:0015356.
Breast-ovarian cancer, familial, susceptibility to, 4. Identifiers: Orphanet 145, MedGen C3280345, MONDO:0013669, OMIM 614291.

Allele frequency attached by ClinVar (database versions not stated): gnomAD 0.00001.
gnomAD v4.1: 3 of 1,614,046 alleles (0.00019%); highest among the groups gnomAD compares: Non-Finnish European, 0.00025%; no homozygotes.

Submissions (3):

Ambry Genetics
Classification: Likely benign for Hereditary cancer-predisposing syndrome. Last evaluated: 2025-11-03. Review status: criteria provided, single submitter. Criteria: Ambry Variant Classification Scheme 2023. Collection method: clinical testing. Allele origin: germline.

Myriad Genetics, Inc.
Classification: Benign for Breast-ovarian cancer, familial, susceptibility to, 4. Last evaluated: 2025-02-21. Review status: criteria provided, single submitter. Criteria: Myriad Autosomal Dominant, Autosomal Recessive and X-Linked Classification Criteria (2023). Collection method: clinical testing. Allele origin: unknown.
Comment: This variant is considered benign. This variant is a silent/synonymous amino acid change and it is not expected to impact splicing.

Labcorp Genetics (formerly Invitae), Labcorp
Classification: Likely benign for Breast-ovarian cancer, familial, susceptibility to, 4. Last evaluated: 2024-03-17. Review status: criteria provided, single submitter. Criteria: Invitae Variant Classification Sherloc (09022015). Collection method: clinical testing. Allele origin: germline.

NM_002878.4(RAD51D):c.462C>G (p.Thr154=)

Genes: RAD51D (RAD51 paralog D; minus strand), RAD51L3-RFFL (RAD51L3-RFFL readthrough; minus strand). Cytogenetic location: 17q12.
Variant type: single nucleotide variant.
Coding change: c.462C>G on transcript NM_002878.4 (MANE Select); coding-DNA position 462, C replaced by G.
Protein change: p.Thr154=; no amino-acid change (threonine 154 retained).
Molecular consequence: synonymous variant. On other transcripts: non-coding transcript variant (1), intron variant (1).
Genome position (GRCh38, 1-based): chr17:35,107,006, G>C on the plus strand (C>G on the coding strand, the complement: RAD51D is on the minus strand). VCF-style: chr17-35107006-G-C. GRCh37 (hg19) VCF-style: chr17-33434025-G-C.
Other names: c.522C>G, p.Thr174= (NM_001142571.2); c.145-525C>G (NM_133629.3); c.462C>G (NM_002878.3).
Identifiers: ClinVar variation 1622821 (VCV001622821.10), dbSNP rs2091612775, ClinGen allele CA499731672.